The following is an entry in ClinVar:

NM_032043.3(BRIP1):c.2595G>A (p.Arg865=)

Gene: BRIP1 (BRCA1 interacting DNA helicase 1; minus strand). Cytogenetic location: 17q23.2.
Variant type: single nucleotide variant.
Coding change: c.2595G>A on transcript NM_032043.3 (MANE Select); coding-DNA position 2595, G replaced by A.
Protein change: p.Arg865=; no amino-acid change (arginine 865 retained).
Molecular consequence: synonymous variant.
Genome position (GRCh38, 1-based): chr17:61,686,146, C>T on the plus strand (G>A on the coding strand, the complement: BRIP1 is on the minus strand). VCF-style: chr17-61686146-C-T. GRCh37 (hg19) VCF-style: chr17-59763507-C-T.
Identifiers: ClinVar variation 1793564 (VCV001793564.6), dbSNP rs2144118300, ClinGen allele CA501143913.

ClinVar aggregate classification (germline): Benign/Likely benign. Review status: criteria provided, multiple submitters, no conflicts (2 of 4 stars). 3 submissions from 3 submitters: Benign (1); Likely benign (2). Last evaluated 2024-09-05.

Conditions:
Hereditary cancer-predisposing syndrome. Also called: Neoplastic Syndromes, Hereditary; Tumor predisposition; Hereditary neoplastic syndrome; Hereditary Cancer Syndrome. Identifiers: Orphanet 140162, MedGen C0027672, MeSH D009386, MONDO:0015356.
Familial cancer of breast. Also called: BREAST CANCER, FAMILIAL; hereditary breast carcinoma; Hereditary breast cancer. Identifiers: Orphanet 227535, MedGen C0346153, MONDO:0016419, OMIM 114480. Disease mechanism: loss of function.
Fanconi anemia complementation group J. Also called: BRIP1-Related Fanconi Anemia. Identifiers: Orphanet 84, MedGen C1836860, MONDO:0012187, OMIM 609054.

Allele frequency attached by ClinVar (database versions not stated): gnomAD exomes below 0.00001.
gnomAD v4.1: 4 of 1,614,028 alleles (0.00025%); highest among the groups gnomAD compares: Non-Finnish European, 0.00034%; no homozygotes.

Submissions (3):

Myriad Genetics, Inc.
Classification: Benign for Familial cancer of breast. Last evaluated: 2024-09-05. Review status: criteria provided, single submitter. Criteria: Myriad Autosomal Dominant, Autosomal Recessive and X-Linked Classification Criteria (2023). Collection method: clinical testing. Allele origin: unknown.
Comment: This variant is considered benign. This variant is a silent/synonymous amino acid change and it is not expected to impact splicing.

Labcorp Genetics (formerly Invitae), Labcorp
Classification: Likely benign for Familial cancer of breast; Fanconi anemia complementation group J. Last evaluated: 2024-06-06. Review status: criteria provided, single submitter. Criteria: Invitae Variant Classification Sherloc (09022015). Collection method: clinical testing. Allele origin: germline.

Ambry Genetics
Classification: Likely benign for Hereditary cancer-predisposing syndrome. Last evaluated: 2022-04-19. Review status: criteria provided, single submitter. Criteria: Ambry Variant Classification Scheme 2023. Collection method: clinical testing. Allele origin: germline.